The following is an entry in ClinVar:

ClinVar aggregate classification (germline): Pathogenic (1 of 4 stars; one submission).

Conditions:
Osteogenesis imperfecta type I (OI1). Also called: OI, TYPE I; OSTEOGENESIS IMPERFECTA TARDA; OSTEOGENESIS IMPERFECTA WITH BLUE SCLERAE; Lobstein disease; Osteogenesis imperfecta type 1; Lobstein's Disease. Identifiers: Orphanet 216796, Orphanet 666, MedGen C0023931, MONDO:0008146, OMIM 166200. Disease mechanism: loss of function.

Submission:

Labcorp Genetics (formerly Invitae), Labcorp
Classification: Pathogenic for Osteogenesis imperfecta type I. Last evaluated: 2023-04-12. Review status: criteria provided, single submitter. Criteria: Invitae Variant Classification Sherloc (09022015). Collection method: clinical testing. Allele origin: germline.
Comment: For these reasons, this variant has been classified as Pathogenic. ClinVar contains an entry for this variant (Variation ID: 1070241). This premature translational stop signal has been observed in individual(s) with clinical features consistent with osteogenesis imperfecta (Invitae). This variant is not present in population databases (gnomAD no frequency). This sequence change creates a premature translational stop signal (p.Gly1007Aspfs*101) in the COL1A1 gene. It is expected to result in an absent or disrupted protein product. Loss-of-function variants in COL1A1 are known to be pathogenic (PMID: 7942841, 9295084, 9443882).

Literature cited by the submitters: PubMed 7942841; PubMed 9295084; PubMed 9443882.

NM_000088.4(COL1A1):c.3020del (p.Gly1007fs)

Gene: COL1A1 (collagen type I alpha 1 chain; minus strand). Cytogenetic location: 17q21.33.
Variant type: Deletion.
Coding change: c.3020del on transcript NM_000088.4 (MANE Select); coding-DNA position 3020, one base deleted (G; older notation c.3020delG).
Protein change: p.Gly1007fs; shifts the reading frame from glycine 1007.
Molecular consequence: frameshift variant.
Genome position (GRCh38, 1-based): chr17:50,188,928, C deleted on the plus strand (G on the coding strand, the reverse complement: COL1A1 is on the minus strand); the first of 2 consecutive C bases (chr17:50,188,928-50,188,929); deleting either gives the same sequence. VCF-style (leftmost placement, unchanged base first): chr17-50188927-TC-T. GRCh37 (hg19) VCF-style: chr17-48266288-TC-T.
Other names: short protein forms G1007fs.
Identifiers: ClinVar variation 1070241 (VCV001070241.7), dbSNP rs2144547600, ClinGen allele CA2499224718.